The following is an entry in ClinVar:

NM_001378454.1(ALMS1):c.6568_6571del (p.Ser2190fs)

Gene: ALMS1 (ALMS1 centrosome and basal body associated protein; plus strand). Cytogenetic location: 2p13.1.
Variant type: Deletion.
Coding change: c.6568_6571del on transcript NM_001378454.1 (MANE Select); coding-DNA positions 6568 to 6571, 4 bases deleted (TCAC; older notation c.6568_6571delTCAC).
Protein change: p.Ser2190fs; shifts the reading frame from serine 2190.
Molecular consequence: frameshift variant.
Genome position (GRCh38, 1-based): chr2:73,453,095-73,453,098, TCAC deleted; deleting any 4 consecutive bases within chr2:73,453,093-73,453,098 gives the same sequence; the c. name uses the placement nearest the transcript's 3' end. VCF-style (leftmost placement, unchanged base first): chr2-73453092-TACTC-T. GRCh37 (hg19) VCF-style: chr2-73680219-TACTC-T.
Other names: c.6571_6574delTCAC (NM_015120.4); c.6571_6574del, p.Ser2191fs (NM_015120.4); short protein forms S2190fs.
Identifiers: ClinVar variation 434133 (VCV000434133.18), dbSNP rs1034630858, ClinGen allele CA50397926.

ClinVar aggregate classification (germline): Pathogenic. Review status: criteria provided, multiple submitters, no conflicts (2 of 4 stars). 8 submissions from 8 submitters: Pathogenic (4). 4 of the submissions do not count toward it. Last evaluated 2025-08-19.

Conditions:
Cardiovascular phenotype. Identifiers: MedGen CN230736.
Alstrom syndrome (ALMS). Identifiers: Orphanet 64, MedGen C0268425, MONDO:0008763, OMIM 203800.

Submissions (8):

Natera, Inc.
Classification: Pathogenic for Alstrom syndrome. Last evaluated: 2025-08-19. Review status: criteria provided, single submitter. Criteria: Natera Variant Classification Schema (03/2026). Collection method: clinical testing. Allele origin: germline.
Comment: The c.6571_6574delTCAC variant in ALMS1 is a frameshift variant predicted to shift the reading frame beginning at codon 2191 and leads to a stop codon 15 codons downstream. This variant is expected to result in nonsense mediated decay, truncation, or a dysfunctional protein product. This variant is rare in the general population with a frequency below the threshold expected for the associated phenotype(s). This variant has been observed in one or more individuals affected with the associated recessive disease, as either homozygous or compound heterozygous with a second variant (PMID: 29193673). Given the available evidence, this variant is classified as Pathogenic.

Labcorp Genetics (formerly Invitae), Labcorp
Classification: Pathogenic for Alstrom syndrome. Last evaluated: 2025-05-18. Review status: criteria provided, single submitter. Criteria: Invitae Variant Classification Sherloc (09022015). Collection method: clinical testing. Allele origin: germline.
Comment: This sequence change creates a premature translational stop signal (p.Ser2191Metfs*15) in the ALMS1 gene. It is expected to result in an absent or disrupted protein product. Loss-of-function variants in ALMS1 are known to be pathogenic (PMID: 17594715). This variant is present in population databases (no rsID available, gnomAD 0.002%). This premature translational stop signal has been observed in individual(s) with Alstrom syndrome (PMID: 11941370, 29193673). In at least one individual the data is consistent with being in trans (on the opposite chromosome) from a pathogenic variant. ClinVar contains an entry for this variant (Variation ID: 434133). For these reasons, this variant has been classified as Pathogenic.

Ambry Genetics
Classification: Pathogenic for Cardiovascular phenotype. Last evaluated: 2024-11-25. Review status: criteria provided, single submitter. Criteria: Ambry Variant Classification Scheme 2023. Collection method: clinical testing. Allele origin: germline.
Comment: The c.6571_6574delTCAC pathogenic mutation, located in coding exon 8 of the ALMS1 gene, results from a deletion of 4 nucleotides at nucleotide positions 6571 to 6574, causing a translational frameshift with a predicted alternate stop codon (p.S2191Mfs*15). This variant has been reported in association with Alstrom syndrome (Hearn T et al. Nat Genet, 2002 May;31:79-83; Nasser F et al. Acta Ophthalmol, 2018 Jun;96:e445-e454). This variant has also been reported in a visual impairment cohort (Haer-Wigman L et al. Eur J Hum Genet, 2017 May;25:591-599). In addition to the clinical data presented in the literature, this alteration is expected to result in loss of function by premature protein truncation or nonsense-mediated mRNA decay. As such, this alteration is interpreted as a disease-causing mutation.

Genetic Services Laboratory, University of Chicago
Classification: Pathogenic for Alstrom syndrome. Last evaluated: 2015-12-01. Review status: criteria provided, single submitter. Criteria: ACMG Guidelines, 2015. Collection method: clinical testing. Allele origin: germline. Affected: yes.

Counsyl
Classification: Pathogenic for Alstrom syndrome. Last evaluated: 2017-12-12. Review status: no assertion criteria provided. Collection method: clinical testing. Allele origin: unknown. Not counted in ClinVar's aggregate classification.

Clinical Genetics DNA and cytogenetics Diagnostics Lab, Erasmus MC, Erasmus Medical Center
Classification: Pathogenic. Review status: no assertion criteria provided. Collection method: clinical testing. Allele origin: germline. Affected: yes. Study: VKGL Data-share Consensus. Not counted in ClinVar's aggregate classification.

Diagnostic Laboratory, Department of Genetics, University Medical Center Groningen
Classification: Pathogenic. Review status: no assertion criteria provided. Collection method: clinical testing. Allele origin: germline. Affected: yes. Study: VKGL Data-share Consensus. Not counted in ClinVar's aggregate classification.

Joint Genome Diagnostic Labs from Nijmegen and Maastricht, Radboudumc and MUMC+
Classification: Pathogenic. Review status: no assertion criteria provided. Collection method: clinical testing. Allele origin: germline. Affected: yes. Study: VKGL Data-share Consensus. Not counted in ClinVar's aggregate classification.

Literature cited by the submitters: PubMed 29193673 (cited by 3 submitters); PubMed 17594715 (cited by Labcorp Genetics (formerly Invitae), Labcorp and Counsyl); PubMed 11941370 (cited by 3 submitters); PubMed 28224992 (cited by Ambry Genetics).